The following is an entry in ClinVar:

NM_000135.4(FANCA):c.3514-1G>T

Gene: FANCA (FA complementation group A; minus strand). Cytogenetic location: 16q24.3.
Variant type: single nucleotide variant.
Coding change: c.3514-1G>T on transcript NM_000135.4 (MANE Select); the canonical splice acceptor site of the intron before coding-DNA position 3514, G replaced by T.
Molecular consequence: splice acceptor variant.
Genome position (GRCh38, 1-based): chr16:89,745,072, C>A on the plus strand (G>T on the coding strand, the complement: FANCA is on the minus strand). VCF-style: chr16-89745072-C-A. GRCh37 (hg19) VCF-style: chr16-89811480-C-A.
Other names: c.3514-1G>T (NM_001286167.3).
Identifiers: ClinVar variation 1517411 (VCV001517411.6), dbSNP rs2143088468, ClinGen allele CA397485799.

ClinVar aggregate classification (germline): Likely pathogenic (1 of 4 stars; one submission).

Conditions:
Fanconi anemia (FA). Also called: Fanconi's anemia. Identifiers: Orphanet 84, MedGen C0015625, MeSH D005199, MONDO:0019391.

Submission:

Labcorp Genetics (formerly Invitae), Labcorp
Classification: Likely pathogenic for Fanconi anemia. Last evaluated: 2024-08-14. Review status: criteria provided, single submitter. Criteria: Invitae Variant Classification Sherloc (09022015). Collection method: clinical testing. Allele origin: germline.
Comment: This sequence change affects an acceptor splice site in intron 35 of the FANCA gene. It is expected to disrupt RNA splicing. Variants that disrupt the donor or acceptor splice site typically lead to a loss of protein function (PMID: 16199547), and loss-of-function variants in FANCA are known to be pathogenic (PMID: 19367192). This variant is not present in population databases (gnomAD no frequency). This variant has not been reported in the literature in individuals affected with FANCA-related conditions. ClinVar contains an entry for this variant (Variation ID: 1517411). Algorithms developed to predict the effect of sequence changes on RNA splicing suggest that this variant may disrupt the consensus splice site. In summary, the currently available evidence indicates that the variant is pathogenic, but additional data are needed to prove that conclusively. Therefore, this variant has been classified as Likely Pathogenic.

Literature cited by the submitters: PubMed 16199547; PubMed 19367192.